The following is an entry in ClinVar:

ClinVar aggregate classification (germline): Benign (0 of 4 stars; one submission).

Conditions:
UBR4-related disorder. Also called: UBR4-related condition.

Allele frequency attached by ClinVar (database versions not stated): gnomAD exomes 0.00580; ExAC 0.01675; gnomAD 0.04341; ESP Exome Variant Server 0.04898; TOPMed 0.05007; 1000 Genomes Project 0.05252; 1000 Genomes Project 30x 0.05278.
gnomAD v4.1: 15,402 of 1,614,162 alleles (0.95%); highest among the groups gnomAD compares: African/African-American, 15%; 898 homozygotes.

Submission:

PreventionGenetics, part of Exact Sciences
Classification: Benign for UBR4-related condition. Last evaluated: 2019-11-13. Review status: no assertion criteria provided. Collection method: clinical testing. Allele origin: germline.
Comment: This variant is classified as benign based on ACMG/AMP sequence variant interpretation guidelines (Richards et al. 2015 PMID: 25741868, with internal and published modifications).

NM_020765.3(UBR4):c.14244G>A (p.Leu4748=)

Gene: UBR4 (ubiquitin protein ligase E3 component n-recognin 4; minus strand). Cytogenetic location: 1p36.13.
Variant type: single nucleotide variant.
Coding change: c.14244G>A on transcript NM_020765.3 (MANE Select); coding-DNA position 14244, G replaced by A.
Protein change: p.Leu4748=; no amino-acid change (leucine 4748 retained).
Molecular consequence: synonymous variant.
Genome position (GRCh38, 1-based): chr1:19,088,945, C>T on the plus strand (G>A on the coding strand, the complement: UBR4 is on the minus strand). VCF-style: chr1-19088945-C-T. GRCh37 (hg19) VCF-style: chr1-19415439-C-T.
Identifiers: ClinVar variation 3037296 (VCV003037296.2), dbSNP rs16862517, ClinGen allele CA648233.
Genomic context (GRCh38, chr1:19,088,945, plus strand): 5'-CAGCAGGTTCTCTGCCAAGGTCCCAATGCCCTCATCACTGGACACCTGCTCCAGCTTATG[C>T]AGGTTCGGGATGGAATCAGTTCCAATCAGAACCTGCCAGTAAGAGACCAGAGAGACACAT-3'
Protein context (NP_065816.2, residues 4738-4758): VLIGTDSIPN[Leu4748=]HKLEQVSSDE